The following is an entry in ClinVar:

ClinVar aggregate classification (germline): Conflicting classifications of pathogenicity. Review status: criteria provided, conflicting classifications (1 of 4 stars). 42 submissions from 39 submitters: Pathogenic (22); Likely pathogenic (13); Uncertain significance (1). 6 of the submissions do not count toward it. Last evaluated 2026-09-21.

Conditions:
Oculocutaneous albinism type 1A (OCA1A). Also called: Albinism, oculocutaneous, type IA. Identifiers: Orphanet 352731, Orphanet 79431, MedGen C4551504, MONDO:0008745, OMIM 203100. Disease mechanism: loss of function.
Oculocutaneous albinism type 1B (OCA1B). Also called: ALBINISM, OCULOCUTANEOUS, TYPE IB; ALBINISM, YELLOW MUTANT TYPE; YELLOW ALBINISM. Identifiers: Orphanet 352731, Orphanet 352737, Orphanet 79434, MedGen C1847024, MONDO:0011749, OMIM 606952.
SKIN/HAIR/EYE PIGMENTATION 3, LIGHT/DARK SKIN (SHEP3). Also called: SKIN/HAIR/EYE PIGMENTATION, VARIATION IN, 3; EYE COLOR 1; EYE COLOR, GREEN/BLUE; SKIN/HAIR/EYE PIGMENTATION 3, BLUE/GREEN EYE COLOR; SKIN/HAIR/EYE PIGMENTATION 3, FRECKLING. Identifiers: MedGen C2677190, OMIM 601800.
Albinism or congenital nystagmus.
Pigmentary skin disorders.
Autosomal recessive TYR-related disorders.
TYR-related disorder. Also called: TYR-related condition.
Inborn genetic diseases. Identifiers: MedGen C0950123, MeSH D030342.
Oculocutaneous albinism. Identifiers: Orphanet 55, MedGen C0078918, MONDO:0018910.
Ocular albinism with congenital sensorineural hearing loss. Identifiers: MedGen CN028925.
Abnormality of the skin. Identifiers: MedGen C5848159, HP:0000951.
Hearing impairment. Also called: Impaired Hearing. Identifiers: MedGen C1384666, MONDO:0005365, HP:0000365.

Allele frequency attached by ClinVar (database versions not stated): ESP Exome Variant Server 0.00362; gnomAD 0.00375 and 0.00370; gnomAD exomes 0.00463 and 0.00383; 1000 Genomes Project 30x 0.00187; 1000 Genomes Project 0.00200; TOPMed 0.00276; ExAC 0.00349.
gnomAD v4.1: 7,323 of 1,611,690 alleles (0.45%); highest among the groups gnomAD compares: Middle Eastern, 0.53%; 23 homozygotes.

Submissions 1 to 8 of 42:

PreventionGenetics, part of Exact Sciences
Classification: Pathogenic for TYR-related condition. Last evaluated: 2026-09-21. Review status: criteria provided, single submitter. Criteria: ACMG Guidelines, 2015. Collection method: clinical testing. Allele origin: germline.
Comment: The TYR c.1217C>T variant is predicted to result in the amino acid substitution p.Pro406Leu. This variant has been reported in both the homozygous and compound heterozygous states in multiple individuals with oculocutaneous albinism (Giebel et al. 1991. PubMed ID: 1903591; King et al. 2003. PubMed ID: 13680365; Hutton & Spritz. 2008. PubMed ID: 18463683). Functional studies using protein expression in cell culture have shown that the p.Pro406Leu variant results in reduced tyrosinase activity compared to wild-type (Giebel et al. 1991. PubMed ID: 1903591; Dolinska et al. 2017. PubMed ID: 27775880). This variant is present in 1.1% of alleles in individuals of European (Finnish) descent in gnomAD and with a global allele frequency of 0.39%, including multiple homozygous individuals, indicating this variant is relatively common and may have reduced penetrance in the homozygous state. Given all the evidence, we interpret this variant as pathogenic.

Genetics Laboratory, Great Ormond Street Hospital NHS Foundation Trust, North Thames Genomic Laboratory Hub
Classification: Pathogenic for Pigmentary skin disorders. Last evaluated: 2026-08-04. Review status: criteria provided, single submitter. Criteria: ACGS Best Practice Guidelines for Variant Classification in Rare Disease 2024 v1.2. Collection method: clinical testing. Allele origin: germline. Affected: yes.
Comment: PP3_supporting, PS3_strong, PM3_very-strong

CeGaT Center for Human Genetics Tuebingen
Classification: Pathogenic. Last evaluated: 2026-08-01. Review status: criteria provided, single submitter. Criteria: CeGaT Center For Human Genetics Tuebingen Variant Classification Criteria Version 2. Collection method: clinical testing. Allele origin: germline. Affected: yes. Observed: 29 variant alleles.
Comment: TYR: PM3:Very Strong, PM1, PM2:Supporting, PS3:Supporting

Dasa
Classification: Pathogenic. Last evaluated: 2026-02-02. Review status: criteria provided, single submitter. Criteria: DASA Assertion Criteria. Collection method: clinical testing. Allele origin: germline.
Comment: NM_000372.5(TYR):c.1217C>T (p.Pro406Leu) is a missense variant that results in the substitution of proline with leucine. Functional evidence supports a deleterious effect on the gene or gene product (PMID: 1903591; PMID: 13680365; PMID: 15146472; PMID: 18463683; PMID: 21541274). This variant has been recurrently observed in individuals with related phenotype (PMID: 1903591; PMID: 13680365; PMID: 15146472; PMID: 18463683; PMID: 21541274). Segregation evidence has been reported in affected families. Multiple computational predictions support a deleterious effect on the gene or gene product. The variant is present at low frequency in population datasets. Based on the available data, this variant is classified as pathogenic.

Labcorp Genetics (formerly Invitae), Labcorp
Classification: Pathogenic. Last evaluated: 2026-01-25. Review status: criteria provided, single submitter. Criteria: Invitae Variant Classification Sherloc (09022015). Collection method: clinical testing. Allele origin: germline.
Comment: This sequence change replaces proline, which is neutral and non-polar, with leucine, which is neutral and non-polar, at codon 406 of the TYR protein (p.Pro406Leu). This variant is present in population databases (rs104894313, gnomAD 1.1%), and has an allele count higher than expected for a pathogenic variant. This missense change has been observed in individual(s) with oculocutaneous albinism (PMID: 1903591, 22734612, 25216246, 27734839). It has also been observed to segregate with disease in related individuals. ClinVar contains an entry for this variant (Variation ID: 3777). Invitae Evidence Modeling of protein sequence and biophysical properties (such as structural, functional, and spatial information, amino acid conservation, physicochemical variation, residue mobility, and thermodynamic stability) indicates that this missense variant is expected to disrupt TYR protein function with a positive predictive value of 95%. Experimental studies have shown that this missense change affects TYR function (PMID: 1429711, 9242509, 11284711). For these reasons, this variant has been classified as Pathogenic.

Victorian Clinical Genetics Services, Murdoch Childrens Research Institute
Classification: Pathogenic for Oculocutaneous albinism type 1B. Last evaluated: 2025-10-29. Review status: criteria provided, single submitter. Criteria: ACMG Guidelines, 2015. Collection method: clinical testing. Allele origin: germline. Affected: yes.
Comment: This variant is classified as Pathogenic. Evidence in support of pathogenic classification: This variant has strong previous evidence of pathogenicity in unrelated individuals. This variant is a hypomorphic allele and has been reported in multiple individuals with oculocutaneous albinism (PMID: 28667292, 31719542, 38465142). It has also been classified as likely pathogenic/pathogenic by many clinical testing laboratories (ClinVar); This variant has moderate functional evidence supporting abnormal protein function. This OCA1B-related variant is biochemically similar to the wild type but with reduced enzyme activity to 35% (PMID: 27775880); Another missense variant comparable to the one identified in this case has limited previous evidence for pathogenicity. p.(Pro406Ala) has been classified as likely pathogenic by a clinical laboratory (ClinVar); Missense variant predicted to be damaging by in silico tool(s) or highly conserved with a major amino acid change. Additional information: Variant is predicted to result in a missense amino acid change from proline to leucine; This variant is heterozygous; This gene is associated with autosomal recessive disease; Variant is present in gnomAD >=0.01 and <0.03 for a recessive condition (v4: 7277 heterozygote(s), 23 homozygote(s)); Alternative amino acid change(s) at the same position are present in gnomAD (highest allele count: v4: 2 heterozygote(s), 0 homozygote(s)); Variant is not located in an established domain, motif, hotspot or informative constraint region; Loss of function is a known mechanism of disease in this gene and is associated with oculocutaneous albinism type IA (MIM#203100) and type IB (MIM#606952).

Variantyx, Inc.
Classification: Pathogenic for Autosomal recessive TYR-related disorders. Last evaluated: 2025-03-10. Review status: criteria provided, single submitter. Criteria: Variantyx Assertion Criteria 2022. Collection method: clinical testing. Allele origin: germline.
Comment: This is a nonsynonymous variant in the TYR gene (OMIM: 606933). Pathogenic variants in this gene have been associated with autosomal recessive TYR-related disorders. This variant has been identified in the homozygous or compound heterozygous state in one or more of the following: the current proband, at least 11 individuals from the published literature (PMID: 1903591, 22734612, 25216246, 27734839), or previous internal cases (PM3_Very_Strong). Functional studies have shown that this variant alters TYR protein function (PMID: 1429711, 9242509, 11284711) (PS3). Multiple computational algorithms predict a deleterious effect for this variant (REVEL score: 0.921) (PP3_Moderate). This variant has a 0.4820% maximum allele frequency in non-founder control populations. Based on the current evidence, this variant is classified as pathogenic for autosomal recessive TYR-related disorders.

First Genomix Gene Laboratory, Genetic Diagnostics Department
Classification: Pathogenic for Oculocutaneous albinism type 1A; Oculocutaneous albinism type 1B. Last evaluated: 2025-01-10. Review status: criteria provided, single submitter. Criteria: ACMG Guidelines, 2015. Collection method: clinical testing. Allele origin: germline. Inheritance: Autosomal recessive inheritance. Affected: no. Observed: 1 variant allele.

NM_000372.5(TYR):c.1217C>T (p.Pro406Leu)

Gene: TYR (tyrosinase; plus strand). Cytogenetic location: 11q14.3.
Variant type: single nucleotide variant.
Coding change: c.1217C>T on transcript NM_000372.5 (MANE Select); coding-DNA position 1217, C replaced by T.
Protein change: p.Pro406Leu; replaces proline 406 with leucine.
Molecular consequence: missense variant.
Genome position (GRCh38, 1-based): chr11:89,284,805, C>T. VCF-style: chr11-89284805-C-T. GRCh37 (hg19) VCF-style: chr11-89017973-C-T.
Other names: short protein forms P406L.
Identifiers: ClinVar variation 3777 (VCV000003777.128), dbSNP rs104894313, ClinGen allele CA227519.